The following is an entry in ClinVar:

ClinVar aggregate classification (germline): Pathogenic/Likely pathogenic. Review status: criteria provided, multiple submitters, no conflicts (2 of 4 stars). 2 submissions from 2 submitters: Pathogenic (1); Likely pathogenic (1). Last evaluated 2023-03-24.

Conditions:
Bardet-Biedl syndrome (BBS). Identifiers: Orphanet 110, MedGen C0752166, MONDO:0015229.
Bardet-Biedl syndrome 10 (BBS10). Identifiers: Orphanet 110, MedGen C1859568, MONDO:0014438, OMIM 615987.

Submissions (2):

Baylor Genetics
Classification: Likely pathogenic for Bardet-Biedl syndrome 10. Last evaluated: 2023-03-24. Review status: criteria provided, single submitter. Criteria: ACMG Guidelines, 2015. Collection method: clinical testing. Allele origin: unknown.

Labcorp Genetics (formerly Invitae), Labcorp
Classification: Pathogenic for Bardet-Biedl syndrome. Last evaluated: 2021-05-08. Review status: criteria provided, single submitter. Criteria: Invitae Variant Classification Sherloc (09022015). Collection method: clinical testing. Allele origin: germline.
Comment: Algorithms developed to predict the effect of sequence changes on RNA splicing suggest that this variant may create or strengthen a splice site, but this prediction has not been confirmed by published transcriptional studies. For these reasons, this variant has been classified as Pathogenic. This variant disrupts the C-terminus of the BBS10 protein. Other variant(s) that disrupt this region (p.Val707*) have been determined to be pathogenic (PMID: 25982971, 22773737, 27486776, 20472660). This suggests that variants that disrupt this region of the protein are likely to be causative of disease. This variant has been observed in individual(s) with clinical features of Bardet-Biedl syndrome (PMID: 16582908). This variant is not present in population databases (ExAC no frequency). This sequence change creates a premature translational stop signal (p.Tyr321*) in the BBS10 gene. While this is not anticipated to result in nonsense mediated decay, it is expected to disrupt the last 403 amino acid(s) of the BBS10 protein.

Literature cited by the submitters: PubMed 25982971 (cited by Labcorp Genetics (formerly Invitae), Labcorp); PubMed 22773737 (cited by Labcorp Genetics (formerly Invitae), Labcorp); PubMed 27486776 (cited by Labcorp Genetics (formerly Invitae), Labcorp); PubMed 20472660 (cited by Labcorp Genetics (formerly Invitae), Labcorp); PubMed 16582908 (cited by Labcorp Genetics (formerly Invitae), Labcorp).

NM_024685.4(BBS10):c.963T>G (p.Tyr321Ter)

Gene: BBS10 (Bardet-Biedl syndrome 10; minus strand). Cytogenetic location: 12q21.2.
Variant type: single nucleotide variant.
Coding change: c.963T>G on transcript NM_024685.4 (MANE Select); coding-DNA position 963, T replaced by G.
Protein change: p.Tyr321Ter; replaces tyrosine 321 with a stop codon.
Molecular consequence: nonsense.
Genome position (GRCh38, 1-based): chr12:76,347,022, A>C on the plus strand (T>G on the coding strand, the complement: BBS10 is on the minus strand). VCF-style: chr12-76347022-A-C. GRCh37 (hg19) VCF-style: chr12-76740802-A-C.
Other names: short protein forms Y321*.
Identifiers: ClinVar variation 1457503 (VCV001457503.9), dbSNP rs1555202662, ClinGen allele CA385813396.